The following is an entry in ClinVar:

ClinVar aggregate classification (germline): Uncertain significance (1 of 4 stars; one submission).

Conditions:
Rhabdoid tumor predisposition syndrome 2 (RTPS2). Identifiers: Orphanet 231108, Orphanet 69077, MedGen C2750074, MONDO:0013224, OMIM 613325.

Submission:

Labcorp Genetics (formerly Invitae), Labcorp
Classification: Uncertain significance for Rhabdoid tumor predisposition syndrome 2. Last evaluated: 2025-08-15. Review status: criteria provided, single submitter. Criteria: Invitae Variant Classification Sherloc (09022015). Collection method: clinical testing. Allele origin: germline.
Comment: This sequence change replaces glycine, which is neutral and non-polar, with aspartic acid, which is acidic and polar, at codon 241 of the SMARCA4 protein (p.Gly241Asp). This variant is not present in population databases (gnomAD no frequency). This variant has not been reported in the literature in individuals affected with SMARCA4-related conditions. Invitae Evidence Modeling of protein sequence and biophysical properties (such as structural, functional, and spatial information, amino acid conservation, physicochemical variation, residue mobility, and thermodynamic stability) indicates that this missense variant is not expected to disrupt SMARCA4 protein function with a negative predictive value of 95%. In summary, the available evidence is currently insufficient to determine the role of this variant in disease. Therefore, it has been classified as a Variant of Uncertain Significance.

NM_003072.5(SMARCA4):c.722G>A (p.Gly241Asp)

Gene: SMARCA4 (SWI/SNF related BAF chromatin remodeling complex subunit ATPase 4; plus strand). Cytogenetic location: 19p13.2.
Variant type: single nucleotide variant.
Coding change: c.722G>A on transcript NM_003072.5 (MANE Select); coding-DNA position 722, G replaced by A.
Protein change: p.Gly241Asp; replaces glycine 241 with aspartic acid.
Molecular consequence: missense variant. On other transcripts: non-coding transcript variant (1).
Genome position (GRCh38, 1-based): chr19:10,986,555, G>A. VCF-style: chr19-10986555-G-A. GRCh37 (hg19) VCF-style: chr19-11097231-G-A.
Other names: c.722G>A, p.Gly241Asp (NM_001128844.3, NM_001128845.2, NM_001128846.2 and 6 more transcripts); short protein forms G241D.
Identifiers: ClinVar variation 4706233 (VCV004706233.1).
Genomic context (GRCh38, chr19:10,986,555, plus strand): 5'-CTCCACCCTCGGTGTCCGCAACAGGACCCGGCCCTGGCCCTGGCCCTGGCCCCGGCCCGG[G>A]TCCCGGCCCGGCACCTCCAAATTACAGCAGGCCTCATGGTAAGACTGGCTGCCCTGGCCC-3'
Protein context (NP_003063.2, residues 231-251): GPGPGPGPGP[Gly241Asp]PGPAPPNYSR